The following is an entry in ClinVar:

ClinVar aggregate classification (germline): Uncertain significance (1 of 4 stars; one submission).

Submission:

GeneDx
Classification: Uncertain significance. Last evaluated: 2023-10-16. Review status: criteria provided, single submitter. Criteria: GeneDx Variant Classification Process June 2021. Collection method: clinical testing. Allele origin: germline. Affected: yes.
Comment: Not observed at significant frequency in large population cohorts (gnomAD); In silico analysis supports that this missense variant has a deleterious effect on protein structure/function; Has not been previously published as pathogenic or benign to our knowledge; This variant is associated with the following publications: (PMID: 22807134)

NM_001042492.3(NF1):c.4673A>C (p.His1558Pro)

Gene: NF1 (neurofibromin 1; plus strand). Cytogenetic location: 17q11.2.
Variant type: single nucleotide variant.
Coding change: c.4673A>C on transcript NM_001042492.3 (MANE Select); coding-DNA position 4673, A replaced by C.
Protein change: p.His1558Pro; replaces histidine 1558 with proline.
Molecular consequence: missense variant.
Genome position (GRCh38, 1-based): chr17:31,261,806, A>C. VCF-style: chr17-31261806-A-C. GRCh37 (hg19) VCF-style: chr17-29588824-A-C.
Other names: c.4610A>C, p.His1537Pro (NM_000267.4); short protein forms H1537P, H1558P.
Identifiers: ClinVar variation 3366073 (VCV003366073.1).